The following is an entry in ClinVar:

ClinVar aggregate classification (germline): Uncertain significance (1 of 4 stars; one submission).

gnomAD v4.1: 193 of 1,614,092 alleles (0.012%); highest among the groups gnomAD compares: Non-Finnish European, 0.015%; no homozygotes.

Submission:

Labcorp Genetics (formerly Invitae), Labcorp
Classification: Uncertain significance. Last evaluated: 2024-08-12. Review status: criteria provided, single submitter. Criteria: Invitae Variant Classification Sherloc (09022015). Collection method: clinical testing. Allele origin: germline.
Comment: This sequence change replaces arginine, which is basic and polar, with tryptophan, which is neutral and slightly polar, at codon 558 of the ANK1 protein (p.Arg558Trp). This variant is present in population databases (rs180968218, gnomAD 0.02%). This variant has not been reported in the literature in individuals affected with ANK1-related conditions. Advanced modeling of protein sequence and biophysical properties (such as structural, functional, and spatial information, amino acid conservation, physicochemical variation, residue mobility, and thermodynamic stability) has been performed at Invitae for this missense variant, however the output from this modeling did not meet the statistical confidence thresholds required to predict the impact of this variant on ANK1 protein function. In summary, the available evidence is currently insufficient to determine the role of this variant in disease. Therefore, it has been classified as a Variant of Uncertain Significance.

NM_000037.4(ANK1):c.1672C>T (p.Arg558Trp)

Gene: ANK1 (ankyrin 1; minus strand). Cytogenetic location: 8p11.21.
Variant type: single nucleotide variant.
Coding change: c.1672C>T on transcript NM_000037.4 (MANE Select); coding-DNA position 1672, C replaced by T.
Protein change: p.Arg558Trp; replaces arginine 558 with tryptophan.
Molecular consequence: missense variant.
Genome position (GRCh38, 1-based): chr8:41,715,005, G>A on the plus strand (C>T on the coding strand, the complement: ANK1 is on the minus strand). VCF-style: chr8-41715005-G-A. GRCh37 (hg19) VCF-style: chr8-41572523-G-A.
Other names: c.1771C>T, p.Arg591Trp (NM_001142446.2); c.1672C>T, p.Arg558Trp (NM_020475.3, NM_020476.3, NM_020477.3); short protein forms R591W, R558W.
Identifiers: ClinVar variation 3660835 (VCV003660835.2).